The following is an entry in ClinVar:

NM_004408.4(DNM1):c.350C>G (p.Pro117Arg)

Genes: DNM1 (dynamin 1; plus strand), LOC113839516 (Sharpr-MPRA regulatory region 8497; plus strand). Cytogenetic location: 9q34.11.
Variant type: single nucleotide variant.
Coding change: c.350C>G on transcript NM_004408.4 (MANE Select); coding-DNA position 350, C replaced by G.
Protein change: p.Pro117Arg; replaces proline 117 with arginine.
Molecular consequence: missense variant.
Genome position (GRCh38, 1-based): chr9:128,218,696, C>G. VCF-style: chr9-128218696-C-G. GRCh37 (hg19) VCF-style: chr9-130980975-C-G.
Other names: c.350C>G, p.Pro117Arg (NM_001005336.3, NM_001288737.2, NM_001288738.2 and 2 more transcripts); short protein forms P117R.
Identifiers: ClinVar variation 1732142 (VCV001732142.2), dbSNP rs776104715, ClinGen allele CA5257782.
Genomic context (GRCh38, chr9:128,218,696, plus strand): 5'-TGCGCCTTGAGATCGAGGCCGAGACCGACAGGGTCACCGGCACCAACAAGGGCATCTCGC[C>G]GGTGCCTATCAACCTCCGCGTCTACTCGCCGCACGGTGAGGACCCTGGCCCCGCCCTAAC-3'
Protein context (NP_004399.2, residues 107-127): RVTGTNKGIS[Pro117Arg]VPINLRVYSP

ClinVar aggregate classification (germline): Uncertain significance (1 of 4 stars; one submission).

Conditions:
Inborn genetic diseases. Identifiers: MedGen C0950123, MeSH D030342.

Allele frequency attached by ClinVar (database versions not stated): gnomAD exomes 0.00001; TOPMed 0.00001; ExAC 0.00002.
gnomAD v4.1: 7 of 1,610,434 alleles (0.00043%); highest among the groups gnomAD compares: Middle Eastern, 0.017%; no homozygotes.

Submission:

Ambry Genetics
Classification: Uncertain significance for Inborn genetic diseases. Last evaluated: 2019-06-07. Review status: criteria provided, single submitter. Criteria: Ambry Variant Classification Scheme 2023. Collection method: clinical testing. Allele origin: germline.
Comment: The p.P117R variant (also known as c.350C>G), located in coding exon 3 of the DNM1 gene, results from a C to G substitution at nucleotide position 350. The proline at codon 117 is replaced by arginine, an amino acid with dissimilar properties. This amino acid position is well conserved in available vertebrate species. In addition, the in silico prediction for this alteration is inconclusive. Since supporting evidence is limited at this time, the clinical significance of this alteration remains unclear.